The following is an entry in ClinVar:

ClinVar aggregate classification (germline): Uncertain significance (1 of 4 stars; one submission).

Conditions:
Intellectual developmental disorder with abnormal behavior, microcephaly, and short stature. Identifiers: MedGen C5193039, MONDO:0032687, OMIM 618342.

Submission:

Molecular Diagnostics Laboratory, M Health Fairview: University of Minnesota
Classification: Uncertain significance for Intellectual developmental disorder with abnormal behavior, microcephaly, and short stature. Last evaluated: 2025-01-22. Review status: criteria provided, single submitter. Criteria: ACMG Guidelines, 2015. Collection method: clinical testing. Allele origin: germline. Affected: yes.
Comment: Confirmed in trans with a second PUS7 variant

NM_019042.5(PUS7):c.1597G>C (p.Gly533Arg)

Gene: PUS7 (pseudouridine synthase 7; minus strand). Cytogenetic location: 7q22.3.
Variant type: single nucleotide variant.
Coding change: c.1597G>C on transcript NM_019042.5 (MANE Select); coding-DNA position 1597, G replaced by C.
Protein change: p.Gly533Arg; replaces glycine 533 with arginine.
Molecular consequence: missense variant.
Genome position (GRCh38, 1-based): chr7:105,465,343, C>G on the plus strand (G>C on the coding strand, the complement: PUS7 is on the minus strand). VCF-style: chr7-105465343-C-G. GRCh37 (hg19) VCF-style: chr7-105105790-C-G.
Other names: p.Gly533Arg; c.1615G>C, p.Gly539Arg (NM_001318163.1); c.1597G>C, p.Gly533Arg (NM_001318164.2); short protein forms G533R, G539R.
Identifiers: ClinVar variation 3899228 (VCV003899228.1).